The following is an entry in ClinVar:

ClinVar aggregate classification (germline): Pathogenic. Review status: criteria provided, multiple submitters, no conflicts (2 of 4 stars). 2 submissions from 2 submitters: Pathogenic (2). Last evaluated 2025-12-02.

Conditions:
Early-infantile DEE. Also called: Ohtahara syndrome; Early infantile epileptic encephalopathy with suppression bursts; Early infantile epileptic encephalopathy. Identifiers: Orphanet 1934, MedGen C0393706, MONDO:0800491.
Developmental and epileptic encephalopathy, 7 (DEE7). Also called: KCNQ2-Related Neonatal Epileptic Encephalopathy; Early infantile epileptic encephalopathy 7; KCNQ2-Related Neonatal-Onset Developmental and Epileptic Encephalopathy (NEO-DEE). Identifiers: Orphanet 439218, MedGen C3150986, MONDO:0013387, OMIM 613720.

Submissions (2):

3billion
Classification: Pathogenic for Developmental and epileptic encephalopathy, 7. Last evaluated: 2025-12-02. Review status: criteria provided, single submitter. Criteria: ACMG Guidelines, 2015. Collection method: clinical testing. Allele origin: germline. Affected: yes.
Comment: The variant is not observed in the gnomAD v4.1.0 dataset. Predicted Consequence/Location: The variant is located in a mutational hot spot and/or well-established functional domain in which established pathogenic variants have been reported. In silico tool predictions suggest damaging effect of the variant on gene or gene product [REVEL: 0.86 (>=0.6, sensitivity 0.68 and specificity 0.92); 3Cnet: 1.00 (> 0.75, sensitivity 0.96 and precision 0.92)]. The same nucleotide change resulting in the same amino acid change has been previously reported to be associated with KCNQ2-related disorder (ClinVar ID: VCV000571819). The variant has been previously reported as de novo in a similarly affected individual (PMID: 25533962). A different missense change at the same codon (p.Thr263Ala) has been reported to be associated with KCNQ2-related disorder (ClinVar ID: VCV000975414 /3billion dataset). Therefore, this variant is classified as Pathogenic according to the recommendation of ACMG/AMP guideline.

Labcorp Genetics (formerly Invitae), Labcorp
Classification: Pathogenic for Early-infantile DEE. Last evaluated: 2023-01-19. Review status: criteria provided, single submitter. Criteria: Invitae Variant Classification Sherloc (09022015). Collection method: clinical testing. Allele origin: germline.
Comment: ClinVar contains an entry for this variant (Variation ID: 571819). This missense change has been observed in individual(s) with seizures and developmental delay (PMID: 25533962; Invitae). In at least one individual the variant was observed to be de novo. This variant is not present in population databases (gnomAD no frequency). This sequence change replaces threonine, which is neutral and polar, with isoleucine, which is neutral and non-polar, at codon 263 of the KCNQ2 protein (p.Thr263Ile). Advanced modeling of protein sequence and biophysical properties (such as structural, functional, and spatial information, amino acid conservation, physicochemical variation, residue mobility, and thermodynamic stability) performed at Invitae indicates that this missense variant is expected to disrupt KCNQ2 protein function. For these reasons, this variant has been classified as Pathogenic.

Literature cited by the submitters: PubMed 25533962 (cited by 3billion and Labcorp Genetics (formerly Invitae), Labcorp).

NM_172107.4(KCNQ2):c.788C>T (p.Thr263Ile)

Gene: KCNQ2 (potassium voltage-gated channel subfamily Q member 2; minus strand). Cytogenetic location: 20q13.33.
Variant type: single nucleotide variant.
Coding change: c.788C>T on transcript NM_172107.4 (MANE Select); coding-DNA position 788, C replaced by T.
Protein change: p.Thr263Ile; replaces threonine 263 with isoleucine.
Molecular consequence: missense variant.
Genome position (GRCh38, 1-based): chr20:63,442,434, G>A on the plus strand (C>T on the coding strand, the complement: KCNQ2 is on the minus strand). VCF-style: chr20-63442434-G-A. GRCh37 (hg19) VCF-style: chr20-62073787-G-A.
Other names: c.788C>T, p.Thr263Ile (NM_004518.6, NM_172106.3, NM_172108.5 and 1 more transcripts); short protein forms T263I.
Identifiers: ClinVar variation 571819 (VCV000571819.12), dbSNP rs1568932462, ClinGen allele CA409653411.